The following is an entry in ClinVar:

ClinVar aggregate classification (germline): Benign/Likely benign. Review status: criteria provided, multiple submitters, no conflicts (2 of 4 stars). 2 submissions from 2 submitters: Benign (1); Likely benign (1). Last evaluated 2026-01-01.

Allele frequency attached by ClinVar (database versions not stated): ESP Exome Variant Server 0.00054; TOPMed 0.00090; gnomAD 0.00108; gnomAD exomes 0.00121; 1000 Genomes Project 0.00160; 1000 Genomes Project 30x 0.00187; ExAC 0.00211.
gnomAD v4.1: 1,998 of 1,611,904 alleles (0.12%); highest among the groups gnomAD compares: South Asian, 0.83%; 15 homozygotes.

Submissions (2):

CeGaT Center for Human Genetics Tuebingen
Classification: Likely benign. Last evaluated: 2026-01-01. Review status: criteria provided, single submitter. Criteria: CeGaT Center For Human Genetics Tuebingen Variant Classification Criteria Version 2. Collection method: clinical testing. Allele origin: germline. Affected: yes. Observed: 5 variant alleles.
Comment: ZMIZ1: BP4, BP7, BS1

Labcorp Genetics (formerly Invitae), Labcorp
Classification: Benign. Last evaluated: 2025-12-03. Review status: criteria provided, single submitter. Criteria: Invitae Variant Classification Sherloc (09022015). Collection method: clinical testing. Allele origin: germline.

NM_020338.4(ZMIZ1):c.2802C>T (p.Leu934=)

Gene: ZMIZ1 (zinc finger MIZ-type containing 1; plus strand). Cytogenetic location: 10q22.3.
Variant type: single nucleotide variant.
Coding change: c.2802C>T on transcript NM_020338.4 (MANE Select); coding-DNA position 2802, C replaced by T.
Protein change: p.Leu934=; no amino-acid change (leucine 934 retained).
Molecular consequence: synonymous variant.
Genome position (GRCh38, 1-based): chr10:79,307,538, C>T. VCF-style: chr10-79307538-C-T. GRCh37 (hg19) VCF-style: chr10-81067295-C-T.
Identifiers: ClinVar variation 2042002 (VCV002042002.28), dbSNP rs151147481, ClinGen allele CA5573120.